The following is an entry in ClinVar:

ClinVar aggregate classification (germline): Pathogenic/Likely pathogenic. Review status: criteria provided, multiple submitters, no conflicts (2 of 4 stars). 3 submissions from 3 submitters: Pathogenic (2); Likely pathogenic (1). Last evaluated 2022-12-21.

Conditions:
Cardiovascular phenotype. Identifiers: MedGen CN230736.

Submissions (3):

GeneDx
Classification: Pathogenic. Last evaluated: 2022-12-21. Review status: criteria provided, single submitter. Criteria: GeneDx Variant Classification Process June 2021. Collection method: clinical testing. Allele origin: germline. Affected: yes.
Comment: Frameshift variant predicted to result in protein truncation or nonsense mediated decay in a gene for which loss of function is a known mechanism of disease; Not observed at significant frequency in large population cohorts (gnomAD); Has not been previously published as pathogenic or benign to our knowledge; This variant is associated with the following publications: (PMID: 33726816)

Ambry Genetics
Classification: Likely pathogenic for Cardiovascular phenotype. Last evaluated: 2019-11-01. Review status: criteria provided, single submitter. Criteria: Ambry Variant Classification Scheme 2023. Collection method: clinical testing. Allele origin: germline.
Comment: The c.625delC variant, located in coding exon 1 of the LOX gene, results from a deletion of one nucleotide at nucleotide position 625, causing a translational frameshift with a predicted alternate stop codon (p.Q209Sfs*28). This alteration is expected to result in loss of function by premature protein truncation or nonsense-mediated mRNA decay. Loss of function of LOX has not yet been clearly established as a mechanism of disease for this recently characterized gene, although the available evidence does support haploinsufficiency as a mechanism. Based on the majority of available evidence to date, this variant is likely to be pathogenic.

Clinical Genetics and Genomics, Karolinska University Hospital
Classification: Pathogenic. Last evaluated: 2017-07-03. Review status: criteria provided, single submitter. Criteria: ACMG Guidelines, 2015. Collection method: clinical testing. Allele origin: germline. Affected: yes. Observed: 3 variant alleles.

NM_002317.7(LOX):c.625del (p.Gln209fs)

Genes: LOX (lysyl oxidase; minus strand), SRFBP1 (serum response factor binding protein 1; plus strand). Cytogenetic location: 5q23.1.
Variant type: Deletion.
Coding change: c.625del on transcript NM_002317.7 (MANE Select); coding-DNA position 625, one base deleted (C; older notation c.625delC).
Protein change: p.Gln209fs; shifts the reading frame from glutamine 209.
Molecular consequence: frameshift variant.
Genome position (GRCh38, 1-based): chr5:122,077,361, G deleted on the plus strand (C on the coding strand, the reverse complement: LOX is on the minus strand); the first of 2 consecutive G bases (chr5:122,077,361-122,077,362); deleting either gives the same sequence. VCF-style (leftmost placement, unchanged base first): chr5-122077360-TG-T. GRCh37 (hg19) VCF-style: chr5-121413055-TG-T.
Other names: c.625del (NM_002317.6); c.625delC (NM_002317.5); short protein forms Q209fs.
Identifiers: ClinVar variation 988499 (VCV000988499.5), dbSNP rs756849358, ClinGen allele CA3384000.
Genomic context (GRCh38, chr5:122,077,360, plus strand): 5'-CACATAGCTGGGGACCAGGTGCACGGGTGCTTCCAGCGGACTTGGGGGTACTTACCGTAC[TG>T]GAAGTAGCCAGTGCCGTATCCGGGCCGGTACCTGCCCCCAGGTCTGGGCCTTTCATAAGT-3'